The following is an entry in ClinVar:

NM_001458.5(FLNC):c.1963A>G (p.Ile655Val)

Gene: FLNC (filamin C; plus strand). Cytogenetic location: 7q32.1.
Variant type: single nucleotide variant.
Coding change: c.1963A>G on transcript NM_001458.5 (MANE Select); coding-DNA position 1963, A replaced by G.
Protein change: p.Ile655Val; replaces isoleucine 655 with valine.
Molecular consequence: missense variant.
Genome position (GRCh38, 1-based): chr7:128,841,319, A>G. VCF-style: chr7-128841319-A-G. GRCh37 (hg19) VCF-style: chr7-128481373-A-G.
Other names: c.1963A>G, p.Ile655Val (NM_001127487.2); short protein forms I655V.
Identifiers: ClinVar variation 1061094 (VCV001061094.9), dbSNP rs2128935277, ClinGen allele CA369227461.

ClinVar aggregate classification (germline): Uncertain significance (1 of 4 stars; one submission).

Conditions:
Distal myopathy with posterior leg and anterior hand involvement. Also called: WILLIAMS DISTAL MYOPATHY. Identifiers: Orphanet 63273, MedGen C3279722, MONDO:0013550, OMIM 614065.
Myofibrillar myopathy 5. Also called: Filaminopathy (type); FILAMINOPATHY, AUTOSOMAL DOMINANT. Identifiers: Orphanet 171445, MedGen C1836050, MONDO:0012289, OMIM 609524.
Hypertrophic cardiomyopathy 26. Also called: Cardiomyopathy, familial hypertrophic, 26. Identifiers: Orphanet 75249, MedGen C4310749, MONDO:0014883, OMIM 617047.

Allele frequency attached by ClinVar (database versions not stated): gnomAD exomes below 0.00001.
gnomAD v4.1: 4 of 1,613,902 alleles (0.00025%); highest among the groups gnomAD compares: South Asian, 0.0033%; no homozygotes.

Submission:

Labcorp Genetics (formerly Invitae), Labcorp
Classification: Uncertain significance for Distal myopathy with posterior leg and anterior hand involvement; Myofibrillar myopathy 5; Hypertrophic cardiomyopathy 26. Last evaluated: 2022-07-25. Review status: criteria provided, single submitter. Criteria: Invitae Variant Classification Sherloc (09022015). Collection method: clinical testing. Allele origin: germline.
Comment: This sequence change replaces isoleucine, which is neutral and non-polar, with valine, which is neutral and non-polar, at codon 655 of the FLNC protein (p.Ile655Val). In summary, the available evidence is currently insufficient to determine the role of this variant in disease. Therefore, it has been classified as a Variant of Uncertain Significance. Algorithms developed to predict the effect of missense changes on protein structure and function (SIFT, PolyPhen-2, Align-GVGD) all suggest that this variant is likely to be tolerated. ClinVar contains an entry for this variant (Variation ID: 1061094). This variant has not been reported in the literature in individuals affected with FLNC-related conditions. This variant is not present in population databases (gnomAD no frequency).